The following is an entry in ClinVar:

NM_002971.6(SATB1):c.73G>C (p.Gly25Arg)

Gene: SATB1 (SATB homeobox 1; minus strand). Cytogenetic location: 3p24.3.
Variant type: single nucleotide variant.
Coding change: c.73G>C on transcript NM_002971.6 (MANE Select); coding-DNA position 73, G replaced by C.
Protein change: p.Gly25Arg; replaces glycine 25 with arginine.
Molecular consequence: missense variant. On other transcripts: intron variant (1).
Genome position (GRCh38, 1-based): chr3:18,420,895, C>G on the plus strand (G>C on the coding strand, the complement: SATB1 is on the minus strand). VCF-style: chr3-18420895-C-G. GRCh37 (hg19) VCF-style: chr3-18462387-C-G.
Other names: c.73G>C, p.Gly25Arg (NM_001131010.4, NM_001195470.3, NM_001322871.2 and 4 more transcripts); c.-5-3817G>C (NM_001322876.2); short protein forms G25R.
Identifiers: ClinVar variation 5008175 (VCV005008175.1).

ClinVar aggregate classification (germline): Uncertain significance (1 of 4 stars; one submission).

gnomAD v4.1: 1 of 1,614,176 alleles (0.000062%); highest among the groups gnomAD compares: Non-Finnish European, 0.000085%; no homozygotes.

Submission:

GeneDx
Classification: Uncertain significance. Last evaluated: 2026-03-02. Review status: criteria provided, single submitter. Criteria: GeneDx Variant Classification Process June 2021. Collection method: clinical testing. Allele origin: germline.
Comment: Not observed at significant frequency in large population cohorts (gnomAD); In silico analysis supports that this missense variant has a deleterious effect on protein structure/function; Has not been previously published as pathogenic or benign to our knowledge